The following is an entry in ClinVar:

ClinVar aggregate classification (germline): Likely benign. Review status: criteria provided, multiple submitters, no conflicts (2 of 4 stars). 2 submissions from 2 submitters: Likely benign (2). Last evaluated 2026-01-13.

Conditions:
Neuronal ceroid lipofuscinosis. Also called: Neuronal Ceroid Lipofuscinoses. Identifiers: Orphanet 216, Orphanet 79263, MedGen C0027877, MONDO:0016295. Disease mechanism: loss of function.

Allele frequency attached by ClinVar (database versions not stated): TOPMed 0.00009; gnomAD 0.00003.

Submissions (2):

Labcorp Genetics (formerly Invitae), Labcorp
Classification: Likely benign for Neuronal ceroid lipofuscinosis. Last evaluated: 2026-01-13. Review status: criteria provided, single submitter. Criteria: Invitae Variant Classification Sherloc (09022015). Collection method: clinical testing. Allele origin: germline.

GeneDx
Classification: Likely benign. Last evaluated: 2018-03-08. Review status: criteria provided, single submitter. Criteria: GeneDx Variant Classification (06012015). Collection method: clinical testing. Allele origin: germline. Affected: yes.
Comment: This variant is considered likely benign or benign based on one or more of the following criteria: it is a conservative change, it occurs at a poorly conserved position in the protein, it is predicted to be benign by multiple in silico algorithms, and/or has population frequency not consistent with disease.

NC_000013.11:g.76992005A>G

Gene: CLN5 (CLN5 lysosomal BMP synthase; plus strand). Cytogenetic location: 13q22.3.
Variant type: single nucleotide variant.
Molecular consequence: synonymous variant (on NM_006493.2).
Genome position: GRCh38 VCF-style: chr13-76992005-A-G. GRCh37 (hg19) VCF-style: chr13-77566140-A-G.
Other names: c.54A>G, p.Gln18= (NM_006493.2).
Identifiers: ClinVar variation 377689 (VCV000377689.12), dbSNP rs767480061, ClinGen allele CA7007086.
Genomic context (GRCh38, chr13:76,992,005, plus strand): 5'-AGGTGTCATGCGCCGGAACCTGCGCTTGGGGCCAAGCTCTGGAGCTGACGCGCAGGGGCA[A>G]GGCGCCCCGCGTCCCGGACTGGCGGCTCCGCGCATGCTCCTCCCACCGGCGTCGCAGGCC-3'